The following is an entry in ClinVar:

ClinVar aggregate classification (germline): Uncertain significance (1 of 4 stars; one submission).

gnomAD v4.1: 2 of 1,614,072 alleles (0.00012%); highest among the groups gnomAD compares: African/African-American, 0.0027%; no homozygotes.

Submission:

Labcorp Genetics (formerly Invitae), Labcorp
Classification: Uncertain significance. Last evaluated: 2018-07-03. Review status: criteria provided, single submitter. Criteria: Invitae Variant Classification Sherloc (09022015). Collection method: clinical testing. Allele origin: germline.
Comment: Algorithms developed to predict the effect of missense changes on protein structure and function are either unavailable or do not agree on the potential impact of this missense change (SIFT: "Deleterious"; PolyPhen-2: "Probably Damaging"; Align-GVGD: "Class C15"). This variant has not been reported in the literature in individuals with SPG20-related disease. This variant is not present in population databases (ExAC no frequency). This sequence change replaces serine with arginine at codon 240 of the SPG20 protein (p.Ser240Arg). The serine residue is highly conserved and there is a moderate physicochemical difference between serine and arginine. In summary, the available evidence is currently insufficient to determine the role of this variant in disease. Therefore, it has been classified as a Variant of Uncertain Significance.

NM_015087.5(SPART):c.720T>A (p.Ser240Arg)

Gene: SPART (spartin; minus strand). Cytogenetic location: 13q13.3.
Variant type: single nucleotide variant.
Coding change: c.720T>A on transcript NM_015087.5 (MANE Select); coding-DNA position 720, T replaced by A.
Protein change: p.Ser240Arg; replaces serine 240 with arginine.
Molecular consequence: missense variant.
Genome position (GRCh38, 1-based): chr13:36,335,111, A>T on the plus strand (T>A on the coding strand, the complement: SPART is on the minus strand). VCF-style: chr13-36335111-A-T. GRCh37 (hg19) VCF-style: chr13-36909248-A-T.
Other names: c.720T>A, p.Ser240Arg (NM_001142294.2, NM_001142295.2, NM_001142296.2); short protein forms S240R.
Identifiers: ClinVar variation 188074 (VCV000188074.9), dbSNP rs780452995, ClinGen allele CA333971.
Genomic context (GRCh38, chr13:36,335,111, plus strand): 5'-CGTATCGAGAGAATTATCCAAAAACCTCACAATTCGAAGGTACCCAGGATACGAAGGTGC[A>T]CTAACCTCCCCTGCAGGATTTACAAAAAAAATCTGTACTCCATTTGGTATCAAAATCAAT-3'
Protein context (NP_055902.1, residues 230-250): IFFVNPAGEV[Ser240Arg]APSYPGYLRI